The following is an entry in ClinVar:

NM_007126.5(VCP):c.1709C>T (p.Ala570Val)

Gene: VCP (valosin containing protein; minus strand). Cytogenetic location: 9p13.3.
Variant type: single nucleotide variant.
Coding change: c.1709C>T on transcript NM_007126.5 (MANE Select); coding-DNA position 1709, C replaced by T.
Protein change: p.Ala570Val; replaces alanine 570 with valine.
Molecular consequence: missense variant.
Genome position (GRCh38, 1-based): chr9:35,059,788, G>A on the plus strand (C>T on the coding strand, the complement: VCP is on the minus strand). VCF-style: chr9-35059788-G-A. GRCh37 (hg19) VCF-style: chr9-35059785-G-A.
Other names: c.1574C>T, p.Ala525Val (NM_001354927.2, NM_001354928.2); short protein forms A525V, A570V.
Identifiers: ClinVar variation 1304784 (VCV001304784.2), dbSNP rs2131029566, ClinGen allele CA373277001.
Genomic context (GRCh38, chr9:35,059,788, plus strand): 5'-ATGTTACCTCCACGAGCCTTGGCAATCGAATCCAGCTCATCAAAGAATAGCACACAGGGG[G>A]CAGCTTGGCGGGCCTGTAGGAGGAATGGATTGATTCAAGCACTAACAAAACTAGATGTCT-3'
Protein context (NP_009057.1, residues 560-580): REIFDKARQA[Ala570Val]PCVLFFDELD

ClinVar aggregate classification (germline): Uncertain significance (1 of 4 stars; one submission).

Submission:

GeneDx
Classification: Uncertain significance. Last evaluated: 2019-06-05. Review status: criteria provided, single submitter. Criteria: GeneDx Variant Classification Process June 2021. Collection method: clinical testing. Allele origin: germline. Affected: yes.
Comment: Not observed in large population cohorts (Lek et al., 2016); In silico analysis, which includes protein predictors and evolutionary conservation, supports a deleterious effect; Has not been previously published as pathogenic or benign to our knowledge